The following is an entry in ClinVar:

ClinVar aggregate classification (germline): Uncertain significance (1 of 4 stars; one submission).

Submission:

Labcorp Genetics (formerly Invitae), Labcorp
Classification: Uncertain significance. Last evaluated: 2024-02-27. Review status: criteria provided, single submitter. Criteria: Invitae Variant Classification Sherloc (09022015). Collection method: clinical testing. Allele origin: germline.
Comment: This sequence change replaces valine, which is neutral and non-polar, with glycine, which is neutral and non-polar, at codon 44 of the PRPF6 protein (p.Val44Gly). This variant is not present in population databases (gnomAD no frequency). This variant has not been reported in the literature in individuals affected with PRPF6-related conditions. Advanced modeling of protein sequence and biophysical properties (such as structural, functional, and spatial information, amino acid conservation, physicochemical variation, residue mobility, and thermodynamic stability) performed at Invitae indicates that this missense variant is not expected to disrupt PRPF6 protein function with a negative predictive value of 80%. In summary, the available evidence is currently insufficient to determine the role of this variant in disease. Therefore, it has been classified as a Variant of Uncertain Significance.

NM_012469.4(PRPF6):c.131T>G (p.Val44Gly)

Gene: PRPF6 (pre-mRNA processing factor 6; plus strand). Cytogenetic location: 20q13.33.
Variant type: single nucleotide variant.
Coding change: c.131T>G on transcript NM_012469.4 (MANE Select); coding-DNA position 131, T replaced by G.
Protein change: p.Val44Gly; replaces valine 44 with glycine.
Molecular consequence: missense variant.
Genome position (GRCh38, 1-based): chr20:63,983,106, T>G. VCF-style: chr20-63983106-T-G. GRCh37 (hg19) VCF-style: chr20-62614459-T-G.
Other names: short protein forms V44G.
Identifiers: ClinVar variation 3631642 (VCV003631642.2).